The following is an entry in ClinVar:

NM_024685.4(BBS10):c.1463A>G (p.Lys488Arg)

Gene: BBS10 (Bardet-Biedl syndrome 10; minus strand). Cytogenetic location: 12q21.2.
Variant type: single nucleotide variant.
Coding change: c.1463A>G on transcript NM_024685.4 (MANE Select); coding-DNA position 1463, A replaced by G.
Protein change: p.Lys488Arg; replaces lysine 488 with arginine.
Molecular consequence: missense variant.
Genome position (GRCh38, 1-based): chr12:76,346,522, T>C on the plus strand (A>G on the coding strand, the complement: BBS10 is on the minus strand). VCF-style: chr12-76346522-T-C. GRCh37 (hg19) VCF-style: chr12-76740302-T-C.
Other names: c.1463A>G (NM_024685.3); short protein forms K488R.
Identifiers: ClinVar variation 1058632 (VCV001058632.8), dbSNP rs1021050605, ClinGen allele CA239331798.
Genomic context (GRCh38, chr12:76,346,522, plus strand): 5'-GTTGAATACGGAATATATGTTTCTAATTCTACATCTGGAATTACCAAATTAGAATGTACT[T>C]TTAAATATGTTTGAGTTTTTTCCAATGCATCTTTGTTCTCTGCAACTGTGTCCTGATAAG-3'
Protein context (NP_078961.3, residues 478-498): DALEKTQTYL[Lys488Arg]VHSNLVIPDV

ClinVar aggregate classification (germline): Uncertain significance. Review status: criteria provided, multiple submitters, no conflicts (2 of 4 stars). 5 submissions from 5 submitters: Uncertain significance (3). 2 of the submissions do not count toward it. Last evaluated 2024-01-17.

Conditions:
Bardet-Biedl syndrome (BBS). Identifiers: Orphanet 110, MedGen C0752166, MONDO:0015229.
Bardet-Biedl syndrome 10 (BBS10). Identifiers: Orphanet 110, MedGen C1859568, MONDO:0014438, OMIM 615987.
BBS10-related disorder. Also called: BBS10-related condition.

Allele frequency attached by ClinVar (database versions not stated): gnomAD exomes 0.00001; gnomAD 0.00003 and 0.00004; TOPMed 0.00011.

Submissions (5):

Fulgent Genetics
Classification: Uncertain significance for Bardet-Biedl syndrome 10. Last evaluated: 2024-01-17. Review status: criteria provided, single submitter. Criteria: ACMG Guidelines, 2015. Collection method: clinical testing. Allele origin: germline.

Labcorp Genetics (formerly Invitae), Labcorp
Classification: Uncertain significance for Bardet-Biedl syndrome. Last evaluated: 2022-10-24. Review status: criteria provided, single submitter. Criteria: Invitae Variant Classification Sherloc (09022015). Collection method: clinical testing. Allele origin: germline.
Comment: This sequence change replaces lysine, which is basic and polar, with arginine, which is basic and polar, at codon 488 of the BBS10 protein (p.Lys488Arg). This variant is not present in population databases (gnomAD no frequency). This variant has not been reported in the literature in individuals affected with BBS10-related conditions. ClinVar contains an entry for this variant (Variation ID: 1058632). Advanced modeling of protein sequence and biophysical properties (such as structural, functional, and spatial information, amino acid conservation, physicochemical variation, residue mobility, and thermodynamic stability) performed at Invitae indicates that this missense variant is not expected to disrupt BBS10 protein function. In summary, the available evidence is currently insufficient to determine the role of this variant in disease. Therefore, it has been classified as a Variant of Uncertain Significance.

Blueprint Genetics
Classification: Uncertain significance. Last evaluated: 2021-10-04. Review status: criteria provided, single submitter. Criteria: ACMG Guidelines, 2015. Collection method: clinical testing. Allele origin: germline.

PreventionGenetics, part of Exact Sciences
Classification: Uncertain significance for BBS10-related condition. Last evaluated: 2024-09-03. Review status: no assertion criteria provided. Collection method: clinical testing. Allele origin: germline. Not counted in ClinVar's aggregate classification.
Comment: The BBS10 c.1463A>G variant is predicted to result in the amino acid substitution p.Lys488Arg. This variant was reported as a heterozygous variant of uncertain significance in an individual with Bardet-Biedl syndrome who was also homozygous for a pathogenic variant in BBS1 (Guardiola and Izquierdo. 2021. PubMed ID: 34526762). This is absent from a large population database, indicating it is rare. At this time, the clinical significance of this variant is uncertain due to the absence of conclusive functional and genetic evidence.

Natera, Inc.
Classification: Uncertain significance for Bardet-Biedl syndrome type 10. Last evaluated: 2020-03-12. Review status: no assertion criteria provided. Collection method: clinical testing. Allele origin: germline. Not counted in ClinVar's aggregate classification.